The following is an entry in ClinVar:

ClinVar aggregate classification (germline): Conflicting classifications of pathogenicity. Review status: criteria provided, conflicting classifications (1 of 4 stars). 2 submissions from 2 submitters: Uncertain significance (1); Likely benign (1). Last evaluated 2025-12-04.

Conditions:
Cardiovascular phenotype. Identifiers: MedGen CN230736.
Arrhythmogenic right ventricular dysplasia 12. Also called: ARRHYTHMOGENIC RIGHT VENTRICULAR DYSPLASIA, FAMILIAL, 12. Identifiers: MedGen C1969081, MONDO:0012684, OMIM 611528.
Naxos disease (NXD). Also called: WOOLLY HAIR, PALMOPLANTAR KERATODERMA, AND CARDIAC ABNORMALITIES; KERATOSIS PALMOPLANTARIS WITH ARRHYTHMOGENIC CARDIOMYOPATHY; MAL DE NAXOS; PALMOPLANTAR KERATODERMA WITH ARRHYTHMOGENIC RIGHT VENTRICULAR CARDIOMYOPATHY AND WOOLLY HAIR; CARDIOMYOPATHY, ARRHYTHMOGENIC RIGHT VENTRICULAR, WITH SKIN, HAIR, AND NAIL ABNORMALITIES. Identifiers: Orphanet 34217, MedGen C1832600, MONDO:0011017, OMIM 601214.

Submissions (2):

Ambry Genetics
Classification: Likely benign for Cardiovascular phenotype. Last evaluated: 2025-12-04. Review status: criteria provided, single submitter. Criteria: Ambry Variant Classification Scheme 2023. Collection method: clinical testing. Allele origin: germline.

Labcorp Genetics (formerly Invitae), Labcorp
Classification: Uncertain significance for Arrhythmogenic right ventricular dysplasia 12; Naxos disease. Last evaluated: 2023-06-05. Review status: criteria provided, single submitter. Criteria: Invitae Variant Classification Sherloc (09022015). Collection method: clinical testing. Allele origin: germline.
Comment: This variant has not been reported in the literature in individuals affected with JUP-related conditions. This variant is not present in population databases (gnomAD no frequency). ClinVar contains an entry for this variant (Variation ID: 1017135). An algorithm developed to predict the effect of missense changes on protein structure and function (PolyPhen-2) suggests that this variant is likely to be tolerated. In summary, the available evidence is currently insufficient to determine the role of this variant in disease. Therefore, it has been classified as a Variant of Uncertain Significance. This sequence change replaces tyrosine, which is neutral and polar, with histidine, which is basic and polar, at codon 256 of the JUP protein (p.Tyr256His).

NM_002230.4(JUP):c.766T>C (p.Tyr256His)

Gene: JUP (junction plakoglobin; minus strand). Cytogenetic location: 17q21.2.
Variant type: single nucleotide variant.
Coding change: c.766T>C on transcript NM_002230.4 (MANE Select); coding-DNA position 766, T replaced by C.
Protein change: p.Tyr256His; replaces tyrosine 256 with histidine.
Molecular consequence: missense variant.
Genome position (GRCh38, 1-based): chr17:41,767,522, A>G on the plus strand (T>C on the coding strand, the complement: JUP is on the minus strand). VCF-style: chr17-41767522-A-G. GRCh37 (hg19) VCF-style: chr17-39923774-A-G.
Other names: c.766T>C (NM_002230.2); c.766T>C, p.Tyr256His (NM_001352773.2, NM_001352774.2, NM_001352775.2 and 3 more transcripts); short protein forms Y256H.
Identifiers: ClinVar variation 1017135 (VCV001017135.9), dbSNP rs1915921460, ClinGen allele CA399501399.